The following is an entry in ClinVar:

ClinVar aggregate classification (germline): Uncertain significance (1 of 4 stars; one submission).

Conditions:
Trichorhinophalangeal dysplasia type I (TRPS1). Also called: TRICHORHINOPHALANGEAL SYNDROME, TYPE I; TRPS I. Identifiers: Orphanet 77258, MedGen C0432233, MONDO:0008596, OMIM 190350.

Submission:

Neuberg Centre For Genomic Medicine, NCGM
Classification: Uncertain significance for Trichorhinophalangeal dysplasia type I. Last evaluated: 2023-06-22. Review status: criteria provided, single submitter. Criteria: ACMG Guidelines, 2015. Collection method: clinical testing. Allele origin: germline. Inheritance: Autosomal dominant inheritance. Affected: yes.
Comment: The observed inframe deletion c.1288_1296del(p.Ile430_Pro432del) variant in TRPS1 gene has not been reported previously as a pathogenic variant nor a benign variant, to our knowledge. The p.Ile430_Pro432del variant has been reported with allele frequency of 0.0004% in gnomAD Exomes. This variant has not been submitted to the ClinVar database. This p.Ile430_Pro432del causes deletion of amino acid Isoleucine at position 430 to Proline at position 432. For these reasons, this variant has been classified as a Variant of Uncertain Significance (VUS).

NM_014112.5(TRPS1):c.1288_1296del (p.Ile430_Pro432del)

Gene: TRPS1 (transcriptional repressor GATA binding 1; minus strand). Cytogenetic location: 8q23.3.
Variant type: Deletion.
Coding change: c.1288_1296del on transcript NM_014112.5 (MANE Select); coding-DNA positions 1288 to 1296, 9 bases deleted (ATAAAGCCC; older notation c.1288_1296delATAAAGCCC).
Protein change: p.Ile430_Pro432del.
Genome position (GRCh38, 1-based): chr8:115,604,673-115,604,681, GGGCTTTAT deleted on the plus strand (ATAAAGCCC on the coding strand, the reverse complement: TRPS1 is on the minus strand); deleting any 9 consecutive bases within chr8:115,604,673-115,604,685 gives the same sequence; the c. name uses the placement nearest the transcript's 3' end. VCF-style (leftmost placement, unchanged base first): chr8-115604672-GGGGCTTTAT-G. GRCh37 (hg19) VCF-style: chr8-116616899-GGGGCTTTAT-G.
Other names: c.1261_1269del, p.Ile421_Pro423del (NM_001282902.3); c.1267_1275del, p.Ile423_Pro425del (NM_001282903.3); c.1249_1257del, p.Ile417_Pro419del (NM_001330599.2).
Identifiers: ClinVar variation 3377551 (VCV003377551.1).